The following is an entry in ClinVar:

ClinVar aggregate classification (germline): Uncertain significance. Review status: criteria provided, single submitter (1 of 4 stars). 2 submissions from 2 submitters: Uncertain significance (1). 1 of the submissions does not count toward it. Last evaluated 2025-03-26.

Conditions:
Agenesis of the corpus callosum with peripheral neuropathy (ACCPN). Also called: HMSN/ACC; Hereditary Motor and Sensory Neuropathy with Agenesis of the Corpus Callosum; CHARLEVOIX DISEASE; POLYNEUROPATHY, SENSORIMOTOR, WITH OR WITHOUT AGENESIS OF THE CORPUS CALLOSUM. Identifiers: Orphanet 1496, MedGen C0795950, MONDO:0000902, OMIM 218000. Disease mechanism: loss of function.

gnomAD v4.1: 6 of 1,612,940 alleles (0.00037%); highest among the groups gnomAD compares: East Asian, 0.0022%; no homozygotes.

Submissions (2):

Labcorp Genetics (formerly Invitae), Labcorp
Classification: Uncertain significance. Last evaluated: 2025-03-26. Review status: criteria provided, single submitter. Criteria: Invitae Variant Classification Sherloc (09022015). Collection method: clinical testing. Allele origin: germline.
Comment: This sequence change replaces arginine, which is basic and polar, with cysteine, which is neutral and slightly polar, at codon 968 of the SLC12A6 protein (p.Arg968Cys). This variant is not present in population databases (gnomAD no frequency). This variant has not been reported in the literature in individuals affected with SLC12A6-related conditions. Invitae Evidence Modeling of protein sequence and biophysical properties (such as structural, functional, and spatial information, amino acid conservation, physicochemical variation, residue mobility, and thermodynamic stability) indicates that this missense variant is expected to disrupt SLC12A6 protein function with a positive predictive value of 80%. In summary, the available evidence is currently insufficient to determine the role of this variant in disease. Therefore, it has been classified as a Variant of Uncertain Significance.

Natera, Inc.
Classification: Uncertain significance for Andermann syndrome. Last evaluated: 2025-05-18. Review status: no assertion criteria provided. Collection method: clinical testing. Allele origin: germline. Not counted in ClinVar's aggregate classification.

NM_001365088.1(SLC12A6):c.2902C>T (p.Arg968Cys)

Gene: SLC12A6 (solute carrier family 12 member 6; minus strand). Cytogenetic location: 15q14.
Variant type: single nucleotide variant.
Coding change: c.2902C>T on transcript NM_001365088.1 (MANE Select); coding-DNA position 2902, C replaced by T.
Protein change: p.Arg968Cys; replaces arginine 968 with cysteine.
Molecular consequence: missense variant.
Genome position (GRCh38, 1-based): chr15:34,237,451, G>A on the plus strand (C>T on the coding strand, the complement: SLC12A6 is on the minus strand). VCF-style: chr15-34237451-G-A. GRCh37 (hg19) VCF-style: chr15-34529652-G-A.
Other names: c.2725C>T, p.Arg909Cys (NM_001042494.2, NM_001042495.2); c.2875C>T, p.Arg959Cys (NM_001042496.2); c.2857C>T, p.Arg953Cys (NM_001042497.2); c.2749C>T, p.Arg917Cys (NM_005135.2); c.2902C>T, p.Arg968Cys (NM_133647.2); short protein forms R909C, R917C, R953C, R959C, R968C.
Identifiers: ClinVar variation 3611636 (VCV003611636.3).
Genomic context (GRCh38, chr15:34,237,451, plus strand): 5'-TCTTGTATCTCAAACTCAGCTTTCTCACCATCTCCACCACTTCTACCTCCGCCTCAATGC[G>A]TAAGTGATATAGGAAGGTGGCTAGGTCCTTCTTCATTTGGATACTGTTGTCTTCTAATTG-3'
Protein context (NP_001352017.1, residues 958-978): KDLATFLYHL[Arg968Cys]IEAEVEVVEM